The following is an entry in ClinVar:

NM_001242957.3(MAK):c.1144-10T>C

Gene: MAK (male germ cell associated kinase; minus strand). Cytogenetic location: 6p24.2.
Variant type: single nucleotide variant.
Coding change: c.1144-10T>C on transcript NM_001242957.3 (MANE Select); 10 bases into the intron before coding-DNA position 1144, T replaced by C.
Molecular consequence: intron variant.
Genome position (GRCh38, 1-based): chr6:10,791,857, A>G on the plus strand (T>C on the coding strand, the complement: MAK is on the minus strand). VCF-style: chr6-10791857-A-G. GRCh37 (hg19) VCF-style: chr6-10792090-A-G.
Other names: c.1144-10T>C (NM_001242957.2, NM_005906.6, NM_001242385.2); c.1042-10T>C (NM_001377262.1).
Identifiers: ClinVar variation 354796 (VCV000354796.16), dbSNP rs202001756, ClinGen allele CA3633527.
Genomic context (GRCh38, chr6:10,791,857, plus strand): 5'-CTGACCCCAACGCCTCCTACCACTTTTATGACTCAGTGTGCCATTTGGCTTCTGTGGTGG[A>G]AAATCAGTCATCATAATCTTTAATCATGTACTGAATGCCTTTCATGCACAAGCTACTATC-3'

ClinVar aggregate classification (germline): Conflicting classifications of pathogenicity. Review status: criteria provided, conflicting classifications (1 of 4 stars). 4 submissions from 4 submitters: Uncertain significance (1); Likely benign (2). 1 of the submissions does not count toward it. Last evaluated 2025-10-30.

Conditions:
Retinitis pigmentosa (RP). Identifiers: Orphanet 791, MedGen C0035334, MeSH D012174, MONDO:0019200, OMIM 268000. Inheritance: Autosomal dominant, autosomal recessive and X linked inheritance.
MAK-related disorder. Also called: MAK-related condition.

Allele frequency attached by ClinVar (database versions not stated): gnomAD exomes 0.00001 and 0.00004; ExAC 0.00007; 1000 Genomes Project 0.00020; ESP Exome Variant Server 0.00023; gnomAD 0.00023 and 0.00026; 1000 Genomes Project 30x 0.00031; TOPMed 0.00033.
gnomAD v4.1: 58 of 1,614,000 alleles (0.0036%); highest among the groups gnomAD compares: African/African-American, 0.072%; no homozygotes.

Submissions (4):

Labcorp Genetics (formerly Invitae), Labcorp
Classification: Likely benign. Last evaluated: 2025-10-30. Review status: criteria provided, single submitter. Criteria: Invitae Variant Classification Sherloc (09022015). Collection method: clinical testing. Allele origin: germline.

Blueprint Genetics
Classification: Likely benign. Last evaluated: 2024-01-18. Review status: criteria provided, single submitter. Criteria: ACMG Guidelines, 2015. Collection method: clinical testing. Allele origin: germline.

Illumina Laboratory Services, Illumina
Classification: Uncertain significance for Retinitis pigmentosa. Last evaluated: 2018-01-12. Review status: criteria provided, single submitter. Criteria: ICSL Variant Classification Criteria 13 December 2019. Collection method: clinical testing. Allele origin: germline.

PreventionGenetics, part of Exact Sciences
Classification: Likely benign for MAK-related condition. Last evaluated: 2019-07-18. Review status: no assertion criteria provided. Collection method: clinical testing. Allele origin: germline. Not counted in ClinVar's aggregate classification.
Comment: This variant is classified as likely benign based on ACMG/AMP sequence variant interpretation guidelines (Richards et al. 2015 PMID: 25741868, with internal and published modifications).